The following is an entry in ClinVar:

NM_000260.4(MYO7A):c.3589C>G (p.Leu1197Val)

Gene: MYO7A (myosin VIIA; plus strand). Cytogenetic location: 11q13.5.
Variant type: single nucleotide variant.
Coding change: c.3589C>G on transcript NM_000260.4 (MANE Select); coding-DNA position 3589, C replaced by G.
Protein change: p.Leu1197Val; replaces leucine 1197 with valine.
Molecular consequence: missense variant.
Genome position (GRCh38, 1-based): chr11:77,189,429, C>G. VCF-style: chr11-77189429-C-G. GRCh37 (hg19) VCF-style: chr11-76900474-C-G.
Other names: c.3589C>G, p.Leu1197Val (NM_001127180.2); c.3556C>G, p.Leu1186Val (NM_001369365.1); short protein forms L1197V, L1186V.
Identifiers: ClinVar variation 1387704 (VCV001387704.7), dbSNP rs1237647614, ClinGen allele CA381947003.

ClinVar aggregate classification (germline): Uncertain significance (1 of 4 stars; one submission).

Allele frequency attached by ClinVar (database versions not stated): gnomAD exomes below 0.00001; TOPMed below 0.00001; gnomAD 0.00001.
gnomAD v4.1: 3 of 1,613,808 alleles (0.00019%); highest among the groups gnomAD compares: African/African-American, 0.0013%; no homozygotes.

Submission:

Labcorp Genetics (formerly Invitae), Labcorp
Classification: Uncertain significance. Last evaluated: 2024-07-21. Review status: criteria provided, single submitter. Criteria: Invitae Variant Classification Sherloc (09022015). Collection method: clinical testing. Allele origin: germline.
Comment: This sequence change replaces leucine, which is neutral and non-polar, with valine, which is neutral and non-polar, at codon 1197 of the MYO7A protein (p.Leu1197Val). This variant is present in population databases (no rsID available, gnomAD 0.01%). This variant has not been reported in the literature in individuals affected with MYO7A-related conditions. ClinVar contains an entry for this variant (Variation ID: 1387704). Advanced modeling of protein sequence and biophysical properties (such as structural, functional, and spatial information, amino acid conservation, physicochemical variation, residue mobility, and thermodynamic stability) has been performed at Invitae for this missense variant, however the output from this modeling did not meet the statistical confidence thresholds required to predict the impact of this variant on MYO7A protein function. In summary, the available evidence is currently insufficient to determine the role of this variant in disease. Therefore, it has been classified as a Variant of Uncertain Significance.